The following is an entry in ClinVar:

ClinVar aggregate classification (germline): Uncertain significance. Review status: criteria provided, multiple submitters, no conflicts (2 of 4 stars). 3 submissions from 3 submitters: Uncertain significance (3). Last evaluated 2023-05-11.

Conditions:
Hereditary cancer-predisposing syndrome. Also called: Hereditary Cancer Syndrome; Hereditary neoplastic syndrome; Neoplastic Syndromes, Hereditary; Tumor predisposition. Identifiers: Orphanet 140162, MedGen C0027672, MeSH D009386, MONDO:0015356.
Familial cancer of breast. Also called: BREAST CANCER, FAMILIAL; Hereditary breast cancer; hereditary breast carcinoma. Identifiers: Orphanet 227535, MedGen C0346153, MONDO:0016419, OMIM 114480. Disease mechanism: loss of function.

Allele frequency attached by ClinVar (database versions not stated): gnomAD exomes below 0.00001.
gnomAD v4.1: 1 of 1,614,168 alleles (0.000062%); highest among the groups gnomAD compares: South Asian, 0.0011%; no homozygotes.

Submissions (3):

Labcorp Genetics (formerly Invitae), Labcorp
Classification: Uncertain significance for Familial cancer of breast. Last evaluated: 2023-05-11. Review status: criteria provided, single submitter. Criteria: Invitae Variant Classification Sherloc (09022015). Collection method: clinical testing. Allele origin: germline.
Comment: This variant is not present in population databases (gnomAD no frequency). In summary, the available evidence is currently insufficient to determine the role of this variant in disease. Therefore, it has been classified as a Variant of Uncertain Significance. Advanced modeling of protein sequence and biophysical properties (such as structural, functional, and spatial information, amino acid conservation, physicochemical variation, residue mobility, and thermodynamic stability) performed at Invitae indicates that this missense variant is not expected to disrupt PALB2 protein function. ClinVar contains an entry for this variant (Variation ID: 1775354). This variant has not been reported in the literature in individuals affected with PALB2-related conditions. This sequence change replaces proline, which is neutral and non-polar, with leucine, which is neutral and non-polar, at codon 522 of the PALB2 protein (p.Pro522Leu).

Quest Diagnostics Nichols Institute San Juan Capistrano
Classification: Uncertain significance. Last evaluated: 2022-12-08. Review status: criteria provided, single submitter. Criteria: Quest Diagnostics criteria. Collection method: clinical testing. Allele origin: unknown.
Comment: The variant has not been reported in individuals with PALB2-related conditions in the published literature. It also has not been reported in large, multi-ethnic general populations. Analysis of this variant using bioinformatics tools for the prediction of the effect of amino acid changes on protein structure and function yielded predictions that this variant is benign. Based on the available information, we are unable to determine the clinical significance of this variant.

Ambry Genetics
Classification: Uncertain significance for Hereditary cancer-predisposing syndrome. Last evaluated: 2022-08-22. Review status: criteria provided, single submitter. Criteria: Ambry Variant Classification Scheme 2023. Collection method: clinical testing. Allele origin: germline.
Comment: The p.P522L variant (also known as c.1565C>T), located in coding exon 4 of the PALB2 gene, results from a C to T substitution at nucleotide position 1565. The proline at codon 522 is replaced by leucine, an amino acid with similar properties. This amino acid position is conserved. In addition, this alteration is predicted to be tolerated by in silico analysis. Since supporting evidence is limited at this time, the clinical significance of this alteration remains unclear.

NM_024675.4(PALB2):c.1565C>T (p.Pro522Leu)

Gene: PALB2 (partner and localizer of BRCA2; minus strand). Cytogenetic location: 16p12.2.
Variant type: single nucleotide variant.
Coding change: c.1565C>T on transcript NM_024675.4 (MANE Select); coding-DNA position 1565, C replaced by T.
Protein change: p.Pro522Leu; replaces proline 522 with leucine.
Molecular consequence: missense variant.
Genome position (GRCh38, 1-based): chr16:23,634,981, G>A on the plus strand (C>T on the coding strand, the complement: PALB2 is on the minus strand). VCF-style: chr16-23634981-G-A. GRCh37 (hg19) VCF-style: chr16-23646302-G-A.
Other names: c.1505C>T, p.Pro502Leu (NM_001407296.1); c.1565C>T, p.Pro522Leu (NM_001407297.1, NM_001407298.1, NM_001407299.1 and 3 more transcripts); c.680C>T, p.Pro227Leu (NM_001407304.1, NM_001407305.1, NM_001407306.1 and 5 more transcripts); short protein forms P502L, P522L, P227L.
Identifiers: ClinVar variation 1775354 (VCV001775354.6), dbSNP rs2142412424, ClinGen allele CA395130727.